The following is an entry in ClinVar:

NM_001375808.2(LPIN2):c.1099G>A (p.Ala367Thr)

Gene: LPIN2 (lipin 2; minus strand). Cytogenetic location: 18p11.31.
Variant type: single nucleotide variant.
Coding change: c.1099G>A on transcript NM_001375808.2 (MANE Select); coding-DNA position 1099, G replaced by A.
Protein change: p.Ala367Thr; replaces alanine 367 with threonine.
Molecular consequence: missense variant.
Genome position (GRCh38, 1-based): chr18:2,937,761, C>T on the plus strand (G>A on the coding strand, the complement: LPIN2 is on the minus strand). VCF-style: chr18-2937761-C-T. GRCh37 (hg19) VCF-style: chr18-2937759-C-T.
Other names: c.1099G>A, p.Ala367Thr (NM_001375809.1, NM_014646.2); short protein forms A367T.
Identifiers: ClinVar variation 234331 (VCV000234331.15), dbSNP rs540544894, ClinGen allele CA8873216.

ClinVar aggregate classification (germline): Conflicting classifications of pathogenicity. Review status: criteria provided, conflicting classifications (1 of 4 stars). 5 submissions from 5 submitters: Uncertain significance (4); Likely benign (1). Last evaluated 2025-08-03.

Conditions:
Majeed syndrome (MJDS). Also called: CHRONIC RECURRENT MULTIFOCAL OSTEOMYELITIS 1, WITH CONGENITAL DYSERYTHROPOIETIC ANEMIA, WITH OR WITHOUT NEUTROPHILIC DERMATOSIS; LPIN2-Related Majeed Syndrome. Identifiers: Orphanet 77297, MedGen C1864997, MONDO:0012316, OMIM 609628.
Inborn genetic diseases. Identifiers: MedGen C0950123, MeSH D030342.

Allele frequency attached by ClinVar (database versions not stated): gnomAD 0.00005; TOPMed 0.00006; 1000 Genomes Project 30x 0.00016; 1000 Genomes Project 0.00020.
gnomAD v4.1: 75 of 1,614,068 alleles (0.0046%); highest among the groups gnomAD compares: East Asian, 0.04%; 1 homozygote.

Submissions (5):

Ambry Genetics
Classification: Uncertain significance for Inborn genetic diseases. Last evaluated: 2025-08-03. Review status: criteria provided, single submitter. Criteria: Ambry Variant Classification Scheme 2023. Collection method: clinical testing. Allele origin: germline.

Blueprint Genetics
Classification: Likely benign. Last evaluated: 2024-10-09. Review status: criteria provided, single submitter. Criteria: ACMG Guidelines, 2015. Collection method: clinical testing. Allele origin: germline.

Labcorp Genetics (formerly Invitae), Labcorp
Classification: Uncertain significance for Majeed syndrome. Last evaluated: 2022-10-07. Review status: criteria provided, single submitter. Criteria: Invitae Variant Classification Sherloc (09022015). Collection method: clinical testing. Allele origin: germline.
Comment: This sequence change replaces alanine, which is neutral and non-polar, with threonine, which is neutral and polar, at codon 367 of the LPIN2 protein (p.Ala367Thr). This variant is present in population databases (rs540544894, gnomAD 0.05%). This variant has not been reported in the literature in individuals affected with LPIN2-related conditions. ClinVar contains an entry for this variant (Variation ID: 234331). Advanced modeling of protein sequence and biophysical properties (such as structural, functional, and spatial information, amino acid conservation, physicochemical variation, residue mobility, and thermodynamic stability) performed at Invitae indicates that this missense variant is not expected to disrupt LPIN2 protein function. In summary, the available evidence is currently insufficient to determine the role of this variant in disease. Therefore, it has been classified as a Variant of Uncertain Significance.

Illumina Laboratory Services, Illumina
Classification: Uncertain significance for Majeed syndrome. Last evaluated: 2018-01-12. Review status: criteria provided, single submitter. Criteria: ICSL Variant Classification Criteria 13 December 2019. Collection method: clinical testing. Allele origin: germline.

GeneDx
Classification: Uncertain significance. Last evaluated: 2017-09-28. Review status: criteria provided, single submitter. Criteria: GeneDx Variant Classification (06012015). Collection method: clinical testing. Allele origin: germline. Affected: yes.
Comment: To our knowledge, the A367T variant has not been published as a pathogenic variant, nor has it been reported as a benign variant. The variant is observed in 9/18868 (0.048%) alleles from individuals of East Asian background in the ExAC dataset (Lek et al., 2016). A367T is a non-conservative amino acid substitution, which is likely to impact secondary protein structure as these residues differ in polarity, charge, size and/or other properties. However, this substitution occurs at a position that is not conserved, and in silico analysis predicts this variant likely does not alter the protein structure/function. Therefore, based on the currently available information, it is unclear whether this variant is a pathogenic variant or a rare benign variant.